The following is an entry in ClinVar:

NM_012470.4(TNPO3):c.275C>T (p.Thr92Ile)

Gene: TNPO3 (transportin 3; minus strand). Cytogenetic location: 7q32.1.
Variant type: single nucleotide variant.
Coding change: c.275C>T on transcript NM_012470.4 (MANE Select); coding-DNA position 275, C replaced by T.
Protein change: p.Thr92Ile; replaces threonine 92 with isoleucine.
Molecular consequence: missense variant. On other transcripts: non-coding transcript variant (18).
Genome position (GRCh38, 1-based): chr7:129,018,003, G>A on the plus strand (C>T on the coding strand, the complement: TNPO3 is on the minus strand). VCF-style: chr7-129018003-G-A. GRCh37 (hg19) VCF-style: chr7-128658057-G-A.
Other names: c.275C>T, p.Thr92Ile (NM_001191028.3, NM_001382216.1, NM_001382217.1 and 6 more transcripts); short protein forms T92I.
Identifiers: ClinVar variation 283108 (VCV000283108.38), dbSNP rs61756250, ClinGen allele CA4478433.

ClinVar aggregate classification (germline): Conflicting classifications of pathogenicity. Review status: criteria provided, conflicting classifications (1 of 4 stars). 5 submissions from 5 submitters: Uncertain significance (1); Likely benign (3). 1 of the submissions does not count toward it. Last evaluated 2026-02-01.

Conditions:
TNPO3-related disorder. Also called: TNPO3-related condition.
Autosomal dominant limb-girdle muscular dystrophy type 1F (LGMDD2). Also called: Limb-girdle muscular dystrophy, type 1F; MUSCULAR DYSTROPHY, LIMB-GIRDLE, AUTOSOMAL DOMINANT 2. Identifiers: Orphanet 55595, MedGen C1842062, MONDO:0012034, OMIM 608423.

Allele frequency attached by ClinVar (database versions not stated): gnomAD 0.00034 and 0.00037; TOPMed 0.00035; ESP Exome Variant Server 0.00038; gnomAD exomes 0.00038; ExAC 0.00045.
gnomAD v4.1: 957 of 1,614,004 alleles (0.059%); highest among the groups gnomAD compares: Non-Finnish European, 0.074%; 2 homozygotes.

Submissions (5):

Labcorp Genetics (formerly Invitae), Labcorp
Classification: Likely benign for Autosomal dominant limb-girdle muscular dystrophy type 1F. Last evaluated: 2026-02-01. Review status: criteria provided, single submitter. Criteria: Invitae Variant Classification Sherloc (09022015). Collection method: clinical testing. Allele origin: germline.

CeGaT Center for Human Genetics Tuebingen
Classification: Likely benign. Last evaluated: 2024-06-01. Review status: criteria provided, single submitter. Criteria: CeGaT Center For Human Genetics Tuebingen Variant Classification Criteria Version 2. Collection method: clinical testing. Allele origin: germline. Affected: yes. Observed: 1 variant allele.
Comment: TNPO3: PP2, BS1

GeneDx
Classification: Likely benign. Last evaluated: 2019-09-16. Review status: criteria provided, single submitter. Criteria: GeneDx Variant Classification Process June 2021. Collection method: clinical testing. Allele origin: germline. Affected: yes.
Comment: This variant is associated with the following publications: (PMID: 30564623, 31135626)

Eurofins Ntd Llc (ga)
Classification: Uncertain significance. Last evaluated: 2015-09-08. Review status: criteria provided, single submitter. Criteria: EGL Classification Definitions 2015. Collection method: clinical testing. Allele origin: germline. Observed: 3 variant alleles, 3 heterozygotes.

PreventionGenetics, part of Exact Sciences
Classification: Likely benign for TNPO3-related condition. Last evaluated: 2019-11-01. Review status: no assertion criteria provided. Collection method: clinical testing. Allele origin: germline. Not counted in ClinVar's aggregate classification.
Comment: This variant is classified as likely benign based on ACMG/AMP sequence variant interpretation guidelines (Richards et al. 2015 PMID: 25741868, with internal and published modifications).